The following is an entry in ClinVar:

NM_000255.4(MMUT):c.52C>T (p.Gln18Ter)

Gene: MMUT (methylmalonyl-CoA mutase; minus strand). Cytogenetic location: 6p12.3.
Variant type: single nucleotide variant.
Coding change: c.52C>T on transcript NM_000255.4 (MANE Select); coding-DNA position 52, C replaced by T.
Protein change: p.Gln18Ter; replaces glutamine 18 with a stop codon.
Molecular consequence: nonsense.
Genome position (GRCh38, 1-based): chr6:49,459,415, G>A on the plus strand (C>T on the coding strand, the complement: MMUT is on the minus strand). VCF-style: chr6-49459415-G-A. GRCh37 (hg19) VCF-style: chr6-49427128-G-A.
Other names: Q17*; short protein forms Q18*.
Identifiers: ClinVar variation 1877 (VCV000001877.17), dbSNP rs121918248, ClinGen allele CA249725.

ClinVar aggregate classification (germline): Pathogenic. Review status: criteria provided, multiple submitters, no conflicts (2 of 4 stars). 7 submissions from 7 submitters: Pathogenic (3). 4 of the submissions do not count toward it. Last evaluated 2025-11-18.

Conditions:
Methylmalonic acidemia (MMA). Also called: Isolated Methylmalonic Acidemia. Identifiers: MedGen C0268583, MeSH C537358, MONDO:0002012, HP:0002912.
METHYLMALONIC ACIDURIA, mut(0) TYPE. Identifiers: MedGen C1855115, OMIM 251000.
Methylmalonic aciduria due to complete methylmalonyl-CoA mutase deficiency.
Methylmalonic aciduria due to methylmalonyl-CoA mutase deficiency (MAMM). Also called: Methylmalonic aciduria, mut type. Identifiers: Orphanet 27, MedGen C1855114, MONDO:0009612, OMIM 251000.

Allele frequency attached by ClinVar (database versions not stated): gnomAD exomes 0.00001; ExAC 0.00002; gnomAD 0.00002; TOPMed 0.00003.
gnomAD v4.1: 20 of 1,613,374 alleles (0.0012%); highest among the groups gnomAD compares: Non-Finnish European, 0.0017%; no homozygotes.

Submissions (7):

Labcorp Genetics (formerly Invitae), Labcorp
Classification: Pathogenic. Last evaluated: 2025-11-18. Review status: criteria provided, single submitter. Criteria: Invitae Variant Classification Sherloc (09022015). Collection method: clinical testing. Allele origin: germline.
Comment: This sequence change creates a premature translational stop signal (p.Gln18*) in the MUT gene. It is expected to result in an absent or disrupted protein product. Loss-of-function variants in MUT are known to be pathogenic (PMID: 15781192). This variant is present in population databases (rs121918248, gnomAD 0.0009%). This premature translational stop signal has been observed in individual(s) with methylmalonic aciduria (PMID: 1970180, 16281286). ClinVar contains an entry for this variant (Variation ID: 1877). Algorithms developed to predict the effect of sequence changes on RNA splicing suggest that this variant may create or strengthen a splice site. For these reasons, this variant has been classified as Pathogenic.

GeneDx
Classification: Pathogenic. Last evaluated: 2025-06-22. Review status: criteria provided, single submitter. Criteria: GeneDx Variant Classification Process June 2021. Collection method: clinical testing. Allele origin: germline. Affected: yes.
Comment: Nonsense variant predicted to result in protein truncation or nonsense mediated decay in a gene for which loss of function is a known mechanism of disease; Not observed at significant frequency in large population cohorts (gnomAD); This variant is associated with the following publications: (PMID: 25525159, 15781192, 2881300, 2453061, 1970180, 16281286, 36186952, 33820958, 20301409, 28468868, 8990001)

Women's Health and Genetics/Laboratory Corporation of America, LabCorp
Classification: Pathogenic for Methylmalonic acidemia. Last evaluated: 2021-07-19. Review status: criteria provided, single submitter. Criteria: LabCorp Variant Classification Summary - May 2015. Collection method: clinical testing. Allele origin: germline.
Comment: Variant summary: MUT c.52C>T (p.Gln18X) results in a premature termination codon, predicted to cause a truncation of the encoded protein or absence of the protein due to nonsense mediated decay, which are commonly known mechanisms for disease. Truncations downstream of this position have been classified as pathogenic by our laboratory. The variant was absent in 250874 control chromosomes. c.52C>T has been reported in the literature in individuals affected with Methylmalonic Acidemia (Ghosh_2017, Worgan_2006). Cell lines with the variant were reported to have no detectable enzymatic activity (Ledley_1990). Three clinical diagnostic laboratories have submitted clinical-significance assessments for this variant to ClinVar after 2014 without evidence for independent evaluation. All laboratories classified the variant as pathogenic/likely pathogenic. Based on the evidence outlined above, the variant was classified as pathogenic.

Natera, Inc.
Classification: Pathogenic for Methylmalonic aciduria due to complete methylmalonyl-CoA mutase deficiency. Last evaluated: 2020-10-27. Review status: no assertion criteria provided. Collection method: clinical testing. Allele origin: germline. Not counted in ClinVar's aggregate classification.

Counsyl
Classification: Likely pathogenic for Methylmalonic aciduria due to methylmalonyl-CoA mutase deficiency. Last evaluated: 2017-07-14. Review status: no assertion criteria provided. Collection method: clinical testing. Allele origin: unknown. Not counted in ClinVar's aggregate classification.

OMIM
Classification: Pathogenic for METHYLMALONIC ACIDURIA, mut(0) TYPE. Last evaluated: 1987-03-01. Review status: no assertion criteria provided. Collection method: literature only. Allele origin: germline. Not counted in ClinVar's aggregate classification.

GeneReviews
No classification provided. Condition: Methylmalonic aciduria due to methylmalonyl-CoA mutase deficiency. Review status: no classification provided. Collection method: literature only. Allele origin: germline. Affected: yes. Not counted in ClinVar's aggregate classification.
Comment: mut(0) enzymatic subtype when homozygous

Literature cited by the submitters: PubMed 15781192 (cited by Labcorp Genetics (formerly Invitae), Labcorp); PubMed 1970180 (cited by Labcorp Genetics (formerly Invitae), Labcorp and Counsyl); PubMed 16281286 (cited by 4 submitters); PubMed 28468868 (cited by Women's Health and Genetics/Laboratory Corporation of America, LabCorp); PubMed 8990001 (cited by Women's Health and Genetics/Laboratory Corporation of America, LabCorp); PubMed 2881300 (cited by Counsyl and OMIM); PubMed 2453061 (cited by OMIM); NCBI Bookshelf NBK1231 (cited by GeneReviews).